The following is an entry in ClinVar:

ClinVar aggregate classification (germline): Pathogenic (1 of 4 stars; one submission).

Conditions:
Tatton-Brown-Rahman overgrowth syndrome. Also called: Tatton-Brown-Rahman syndrome; Tall stature-intellectual disability-facial dysmorphism syndrome. Identifiers: Orphanet 404443, MedGen C4014545, MONDO:0014382, OMIM 615879.

Submission:

Labcorp Genetics (formerly Invitae), Labcorp
Classification: Pathogenic for Tatton-Brown-Rahman overgrowth syndrome. Last evaluated: 2022-09-24. Review status: criteria provided, single submitter. Criteria: Invitae Variant Classification Sherloc (09022015). Collection method: clinical testing. Allele origin: germline.
Comment: This sequence change creates a premature translational stop signal (p.Lys335Serfs*5) in the DNMT3A gene. It is expected to result in an absent or disrupted protein product. Loss-of-function variants in DNMT3A are known to be pathogenic (PMID: 24614070). This variant is not present in population databases (gnomAD no frequency). This variant has not been reported in the literature in individuals affected with DNMT3A-related conditions. For these reasons, this variant has been classified as Pathogenic.

Literature cited by the submitters: PubMed 24614070.

NM_022552.5(DNMT3A):c.1004_1011del (p.Lys335fs)

Gene: DNMT3A (DNA methyltransferase 3 alpha; minus strand). Cytogenetic location: 2p23.3.
Variant type: Deletion.
Coding change: c.1004_1011del on transcript NM_022552.5 (MANE Select); coding-DNA positions 1004 to 1011, 8 bases deleted (AATTCTCA; older notation c.1004_1011delAATTCTCA).
Protein change: p.Lys335fs; shifts the reading frame from lysine 335.
Molecular consequence: frameshift variant. On other transcripts: non-coding transcript variant (1).
Genome position (GRCh38, 1-based): chr2:25,247,594-25,247,601, TGAGAATT deleted on the plus strand (AATTCTCA on the coding strand, the reverse complement: DNMT3A is on the minus strand); deleting any 8 consecutive bases within chr2:25,247,594-25,247,603 gives the same sequence; the c. name uses the placement nearest the transcript's 3' end. VCF-style (leftmost placement, unchanged base first): chr2-25247593-CTGAGAATT-C. GRCh37 (hg19) VCF-style: chr2-25470462-CTGAGAATT-C.
Other names: c.548_555del, p.Lys183fs (NM_001320893.1); c.335_342del, p.Lys112fs (NM_001375819.1); c.437_444del, p.Lys146fs (NM_153759.3); c.1004_1011del, p.Lys335fs (NM_175629.2); short protein forms K335fs, K146fs, K112fs, K183fs.
Identifiers: ClinVar variation 2032388 (VCV002032388.4), dbSNP rs2465557541, ClinGen allele CA2580066134.
Genomic context (GRCh38, chr2:25,247,593, plus strand): 5'-GGCCCTGGGATCAAGAACCTTCCCCCACCCCAGGCTACTGCCAAACCCCACAACTTACCA[CTGAGAATT>C]TGCCGTCTCCGAACCACATGACCCAGCGGGTGCCTTCAGCTGCTCGGCTCCGGCCCGTCA-3'